The following is an entry in ClinVar:

ClinVar aggregate classification (germline): Uncertain significance. Review status: criteria provided, multiple submitters, no conflicts (2 of 4 stars). 2 submissions from 2 submitters: Uncertain significance (2). Last evaluated 2025-08-08.

Conditions:
Epidermodysplasia verruciformis. Identifiers: Orphanet 302, MedGen C0014522, MONDO:0009176.
Inborn genetic diseases. Identifiers: MedGen C0950123, MeSH D030342.

Allele frequency attached by ClinVar (database versions not stated): TOPMed below 0.00001; gnomAD exomes 0.00001; ExAC 0.00002; ESP Exome Variant Server 0.00015.
gnomAD v4.1: 10 of 1,611,502 alleles (0.00062%); highest among the groups gnomAD compares: South Asian, 0.0055%; no homozygotes.

Submissions (2):

Ambry Genetics
Classification: Uncertain significance for Inborn genetic diseases. Last evaluated: 2025-08-08. Review status: criteria provided, single submitter. Criteria: Ambry Variant Classification Scheme 2023. Collection method: clinical testing. Allele origin: germline.

Labcorp Genetics (formerly Invitae), Labcorp
Classification: Uncertain significance for Epidermodysplasia verruciformis. Last evaluated: 2021-09-24. Review status: criteria provided, single submitter. Criteria: Invitae Variant Classification Sherloc (09022015). Collection method: clinical testing. Allele origin: germline.
Comment: This sequence change replaces arginine with tryptophan at codon 223 of the TMC8 protein (p.Arg223Trp). The arginine residue is moderately conserved and there is a moderate physicochemical difference between arginine and tryptophan. This variant is present in population databases (rs200991553, ExAC 0.006%). This variant has not been reported in the literature in individuals with TMC8-related conditions. Algorithms developed to predict the effect of missense changes on protein structure and function are either unavailable or do not agree on the potential impact of this missense change (SIFT: "Deleterious"; PolyPhen-2: "Probably Damaging"; Align-GVGD: "Class C0"). Algorithms developed to predict the effect of sequence changes on RNA splicing suggest that this variant may disrupt the consensus splice site, but this prediction has not been confirmed by published transcriptional studies. In summary, the available evidence is currently insufficient to determine the role of this variant in disease. Therefore, it has been classified as a Variant of Uncertain Significance.

NM_152468.5(TMC8):c.667C>T (p.Arg223Trp)

Gene: TMC8 (transmembrane channel like 8; plus strand). Cytogenetic location: 17q25.3.
Variant type: single nucleotide variant.
Coding change: c.667C>T on transcript NM_152468.5 (MANE Select); coding-DNA position 667, C replaced by T.
Protein change: p.Arg223Trp; replaces arginine 223 with tryptophan.
Molecular consequence: missense variant.
Genome position (GRCh38, 1-based): chr17:78,133,541, C>T. VCF-style: chr17-78133541-C-T. GRCh37 (hg19) VCF-style: chr17-76129622-C-T.
Other names: c.667C>T (NM_152468.4); short protein forms R223W.
Identifiers: ClinVar variation 1412419 (VCV001412419.6), dbSNP rs200991553, ClinGen allele CA8796553.
Genomic context (GRCh38, chr17:78,133,541, plus strand): 5'-CTGGCCTACCTCCTCAGCCCGCTGGCCTGCCTGCTCCTCTGCTTCTGTGGGACTCTGCGG[C>T]GGTGAGAGCGAGGTCCACACCTTCACCCCTTCCCCAGGGAATCTTCCCTGATCACCCCTT-3'
Protein context (NP_689681.2, residues 213-233): LLLCFCGTLR[Arg223Trp]MVKGLPQKTL